The following is an entry in ClinVar:

NM_004415.4(DSP):c.1553T>G (p.Leu518Arg)

Gene: DSP (desmoplakin; plus strand). Cytogenetic location: 6p24.3.
Variant type: single nucleotide variant.
Coding change: c.1553T>G on transcript NM_004415.4 (MANE Select); coding-DNA position 1553, T replaced by G.
Protein change: p.Leu518Arg; replaces leucine 518 with arginine.
Molecular consequence: missense variant.
Genome position (GRCh38, 1-based): chr6:7,569,319, T>G. VCF-style: chr6-7569319-T-G. GRCh37 (hg19) VCF-style: chr6-7569552-T-G.
Other names: c.1553T>G, p.Leu518Arg (NM_001008844.3, NM_001319034.2); short protein forms L518R.
Identifiers: ClinVar variation 1417733 (VCV001417733.8), dbSNP rs1758969230, ClinGen allele CA362677817.

ClinVar aggregate classification (germline): Uncertain significance (1 of 4 stars; one submission).

Conditions:
Arrhythmogenic cardiomyopathy with wooly hair and keratoderma. Also called: PALMOPLANTAR KERATODERMA WITH LEFT VENTRICULAR CARDIOMYOPATHY AND WOOLLY HAIR; Carvajal syndrome; Dilated cardiomyopathy with woolly hair and keratoderma; Arrhythmogenic cardiomyopathy with woolly hair and keratoderma. Identifiers: Orphanet 65282, MedGen C1854063, MONDO:0011581, OMIM 605676.
Arrhythmogenic right ventricular dysplasia 8 (ARVD8). Also called: ARRHYTHMOGENIC RIGHT VENTRICULAR CARDIOMYOPATHY 8; ARRHYTHMOGENIC RIGHT VENTRICULAR DYSPLASIA, FAMILIAL, 8; Arrhythmogenic Right Ventricular Dysplasia/Cardiomyopathy 8. Identifiers: MedGen C1843896, MONDO:0011831, OMIM 607450.

Allele frequency attached by ClinVar (database versions not stated): gnomAD 0.00001.

Submission:

Labcorp Genetics (formerly Invitae), Labcorp
Classification: Uncertain significance for Arrhythmogenic cardiomyopathy with wooly hair and keratoderma; Arrhythmogenic right ventricular dysplasia 8. Last evaluated: 2021-07-06. Review status: criteria provided, single submitter. Criteria: Invitae Variant Classification Sherloc (09022015). Collection method: clinical testing. Allele origin: germline.
Comment: In summary, the available evidence is currently insufficient to determine the role of this variant in disease. Therefore, it has been classified as a Variant of Uncertain Significance. Algorithms developed to predict the effect of missense changes on protein structure and function (SIFT, PolyPhen-2, Align-GVGD) all suggest that this variant is likely to be disruptive, but these predictions have not been confirmed by published functional studies and their clinical significance is uncertain. This variant has not been reported in the literature in individuals with DSP-related conditions. This variant is not present in population databases (ExAC no frequency). This sequence change replaces leucine with arginine at codon 518 of the DSP protein (p.Leu518Arg). The leucine residue is highly conserved and there is a moderate physicochemical difference between leucine and arginine.